The following is an entry in ClinVar:

NM_001605.3(AARS1):c.1038_1039del (p.Ala347fs)

Gene: AARS1 (alanyl-tRNA synthetase 1; minus strand). Cytogenetic location: 16q22.1.
Variant type: Deletion.
Coding change: c.1038_1039del on transcript NM_001605.3 (MANE Select); coding-DNA positions 1038 to 1039, 2 bases deleted (TG; older notation c.1038_1039delTG).
Protein change: p.Ala347fs; shifts the reading frame from alanine 347.
Molecular consequence: frameshift variant.
Genome position (GRCh38, 1-based): chr16:70,268,303-70,268,304, CA deleted on the plus strand (TG on the coding strand, the reverse complement: AARS1 is on the minus strand). VCF-style (leftmost placement, unchanged base first): chr16-70268302-GCA-G. GRCh37 (hg19) VCF-style: chr16-70302205-GCA-G.
Other names: short protein forms A347fs.
Identifiers: ClinVar variation 4707652 (VCV004707652.1).
Genomic context (GRCh38, chr16:70,268,302, plus strand): 5'-CAGAAGGGTAAGCAGAGAAATAAACCTACCAGGGACTGGACGACAACATCCACTAACGTA[GCA>G]AAGAAGCCCCTGCTGGCATTGAGCTTTTCATGGGCGTATCGGACAGCTCGGCGGAGAATC-3'

ClinVar aggregate classification (germline): Pathogenic (1 of 4 stars; one submission).

Conditions:
Charcot-Marie-Tooth disease type 2. Also called: Charcot-Marie-Tooth type 2. Identifiers: Orphanet 64746, MedGen C0270914, MONDO:0018993.

Submission:

Labcorp Genetics (formerly Invitae), Labcorp
Classification: Pathogenic for Charcot-Marie-Tooth disease type 2. Last evaluated: 2025-05-07. Review status: criteria provided, single submitter. Criteria: Invitae Variant Classification Sherloc (09022015). Collection method: clinical testing. Allele origin: germline.
Comment: This sequence change creates a premature translational stop signal (p.Ala347Tyrfs*16) in the AARS gene. It is expected to result in an absent or disrupted protein product. Loss-of-function variants in AARS are known to be pathogenic (PMID: 25817015, 28493438, 34446925). This variant is not present in population databases (gnomAD no frequency). This variant has not been reported in the literature in individuals affected with AARS-related conditions. For these reasons, this variant has been classified as Pathogenic.

Literature cited by the submitters: PubMed 25817015; PubMed 28493438; PubMed 34446925.